The following is an entry in ClinVar:

NM_000077.5(CDKN2A):c.87G>C (p.Arg29=)

Gene: CDKN2A (cyclin dependent kinase inhibitor 2A; minus strand). Cytogenetic location: 9p21.3.
Variant type: single nucleotide variant.
Coding change: c.87G>C on transcript NM_000077.5; coding-DNA position 87, G replaced by C.
Protein change: p.Arg29=; no amino-acid change (arginine 29 retained).
Molecular consequence: synonymous variant (on NM_000077.6). On other transcripts: intron variant (2).
Genome position (GRCh38, 1-based): chr9:21,974,741, C>G on the plus strand (G>C on the coding strand, the complement: CDKN2A is on the minus strand). VCF-style: chr9-21974741-C-G. GRCh37 (hg19) VCF-style: chr9-21974740-C-G.
Other names: c.87G>C, p.Arg29= (NM_000077.6, NM_001195132.2, NM_058197.5); c.-3-3533G>C (NM_001363763.2); c.194-3533G>C (NM_058195.4).
Identifiers: ClinVar variation 927182 (VCV000927182.8), dbSNP rs540871544, ClinGen allele CA464100157.
Genomic context (GRCh38, chr9:21,974,741, plus strand): 5'-GATCGGCCTCCGACCGTAACTATTCGGTGCGTTGGGCAGCGCCCCCGCCTCCAGCAGCGC[C>G]CGCACCTCCTCTACCCGACCCCGGGCCGCGGCCGTGGCCAGCCAGTCAGCCGAAGGCTCC-3'
Protein context (NP_000068.1, residues 19-39): AAARGRVEEV[Arg29=]ALLEAGALPN

ClinVar aggregate classification (germline): Benign/Likely benign. Review status: criteria provided, multiple submitters, no conflicts (2 of 4 stars). 4 submissions from 4 submitters: Benign (1); Likely benign (3). Last evaluated 2026-01-13.

Conditions:
Familial melanoma. Also called: Hereditary melanoma; Hereditary cutaneous melanoma. Identifiers: Orphanet 618, MedGen C1512419, MONDO:0018961.
Melanoma-pancreatic cancer syndrome. Identifiers: Orphanet 404560, MedGen C1838547, MONDO:0011713, OMIM 606719. Disease mechanism: loss of function.
Hereditary cancer-predisposing syndrome. Also called: Tumor predisposition; Neoplastic Syndromes, Hereditary; Hereditary neoplastic syndrome; Hereditary Cancer Syndrome. Identifiers: Orphanet 140162, MedGen C0027672, MeSH D009386, MONDO:0015356.

gnomAD v4.1: 1 of 1,612,530 alleles (0.000062%); highest among the groups gnomAD compares: Admixed American, 0.0017%; no homozygotes.

Submissions (4):

Labcorp Genetics (formerly Invitae), Labcorp
Classification: Likely benign for Familial melanoma. Last evaluated: 2026-01-13. Review status: criteria provided, single submitter. Criteria: Invitae Variant Classification Sherloc (09022015). Collection method: clinical testing. Allele origin: germline.

Myriad Genetics, Inc.
Classification: Benign for Melanoma-pancreatic cancer syndrome. Last evaluated: 2025-08-13. Review status: criteria provided, single submitter. Criteria: Myriad Autosomal Dominant, Autosomal Recessive and X-Linked Classification Criteria (2023). Collection method: clinical testing. Allele origin: unknown.
Comment: This variant is considered benign. This variant is a silent/synonymous amino acid change and it is not expected to impact splicing.

Ambry Genetics
Classification: Likely benign for Hereditary cancer-predisposing syndrome. Last evaluated: 2025-05-26. Review status: criteria provided, single submitter. Criteria: Ambry Variant Classification Scheme 2023. Collection method: clinical testing. Allele origin: germline.

Color Diagnostics, LLC DBA Color Health
Classification: Likely benign for Hereditary cancer-predisposing syndrome. Last evaluated: 2019-01-04. Review status: criteria provided, single submitter. Criteria: ACMG Guidelines, 2015. Collection method: clinical testing. Allele origin: germline.